The following is an entry in ClinVar:

NM_004279.3(PMPCB):c.737-3T>C

Gene: PMPCB (peptidase, mitochondrial processing subunit beta; plus strand). Cytogenetic location: 7q22.1.
Variant type: single nucleotide variant.
Coding change: c.737-3T>C on transcript NM_004279.3 (MANE Select); 3 bases into the intron before coding-DNA position 737, T replaced by C.
Molecular consequence: intron variant.
Genome position (GRCh38, 1-based): chr7:103,307,593, T>C. VCF-style: chr7-103307593-T-C. GRCh37 (hg19) VCF-style: chr7-102948040-T-C.
Other names: c.737-3T>C (NM_004279.2).
Identifiers: ClinVar variation 1234421 (VCV001234421.16), dbSNP rs11489600, ClinGen allele CA4418068.

ClinVar aggregate classification (germline): Benign. Review status: criteria provided, multiple submitters, no conflicts (2 of 4 stars). 5 submissions from 5 submitters: Benign (4). 1 of the submissions does not count toward it. Last evaluated 2026-02-03.

Conditions:
PMPCB-related disorder. Also called: PMPCB-related condition.
Multiple mitochondrial dysfunctions syndrome 6. Identifiers: Orphanet 569290, MedGen C4693741, MONDO:0054785, OMIM 617954.

Allele frequency attached by ClinVar (database versions not stated): 1000 Genomes Project 30x 0.37430; 1000 Genomes Project 0.37780; gnomAD 0.49632 and 0.49723; TOPMed 0.47845; ESP Exome Variant Server 0.49370; gnomAD exomes 0.61367 and 0.54851; ExAC 0.54654.
gnomAD v4.1: 936,978 of 1,558,194 alleles (60%); highest among the groups gnomAD compares: Middle Eastern, 71%; 294,399 homozygotes.

Submissions (5):

Labcorp Genetics (formerly Invitae), Labcorp
Classification: Benign. Last evaluated: 2026-02-03. Review status: criteria provided, single submitter. Criteria: Invitae Variant Classification Sherloc (09022015). Collection method: clinical testing. Allele origin: germline.

Genome-Nilou Lab
Classification: Benign for Multiple mitochondrial dysfunctions syndrome 6. Last evaluated: 2021-10-25. Review status: criteria provided, single submitter. Criteria: ACMG Guidelines, 2015. Collection method: clinical testing. Allele origin: germline. Affected: no.

GeneDx
Classification: Benign. Last evaluated: 2021-05-04. Review status: criteria provided, single submitter. Criteria: GeneDx Variant Classification Process June 2021. Collection method: clinical testing. Allele origin: germline. Affected: yes.

Breakthrough Genomics
Classification: Benign. Review status: criteria provided, single submitter. Criteria: ACMG Guidelines, 2015. Collection method: not provided. Allele origin: germline. Inheritance: Autosomal recessive inheritance. Affected: yes.

PreventionGenetics, part of Exact Sciences
Classification: Benign for PMPCB-related condition. Last evaluated: 2020-01-20. Review status: no assertion criteria provided. Collection method: clinical testing. Allele origin: germline. Not counted in ClinVar's aggregate classification.
Comment: This variant is classified as benign based on ACMG/AMP sequence variant interpretation guidelines (Richards et al. 2015 PMID: 25741868, with internal and published modifications).